The following is an entry in ClinVar:

NM_000202.8(IDS):c.102_103delinsT (p.Asp35fs)

Gene: IDS (iduronate 2-sulfatase; minus strand). Cytogenetic location: Xq28.
Variant type: Indel.
Coding change: c.102_103delinsT on transcript NM_000202.8 (MANE Select); coding-DNA positions 102 to 103, AG replaced by T.
Protein change: p.Asp35fs; shifts the reading frame from aspartic acid 35.
Molecular consequence: frameshift variant. On other transcripts: 5 prime UTR variant (1), non-coding transcript variant (1).
Genome position (GRCh38, 1-based): chrX:149,505,035-149,505,036, CT replaced by A on the plus strand (AG replaced by T on the coding strand, the reverse complement: IDS is on the minus strand). VCF-style: chrX-149505035-CT-A. GRCh37 (hg19) VCF-style: chrX-148586565-CT-A.
Other names: c.-125_-124delinsT (NM_001166550.4); c.102_103delinsT, p.Asp35fs (NM_006123.5); short protein forms D35fs.
Identifiers: ClinVar variation 3255714 (VCV003255714.2).

ClinVar aggregate classification (germline): Pathogenic (1 of 4 stars; one submission).

Conditions:
Mucopolysaccharidosis, MPS-II (MPS2). Also called: Hunter Syndrome; IDURONATE 2-SULFATASE DEFICIENCY; Mucopolysaccharidosis Type II; Mucopolysaccharidosis type 2; Attenuated MPS (subtype; formerly known as mild MPS II); Severe MPS II. Identifiers: Orphanet 580, Orphanet 79388, MedGen C0026705, MONDO:0010674, OMIM 309900.

Submission:

Laboratory of Diagnosis and Therapy of Lysosomal Disorders, University of Padova
Classification: Pathogenic for Mucopolysaccharidosis, MPS-II. Last evaluated: 2024-06-07. Review status: criteria provided, single submitter. Criteria: ACMG Guidelines, 2015. Collection method: literature only. Allele origin: germline. Affected: yes. Observed: 1 variant allele.
Comment: Null variant (PVS1_VeryStrong), Absent from controls (or at low frequency) in gnomAD database (PM2_Moderate), Patient’s phenotype or family history highly specific for the disease (PP4_Strong)

Classification method: ACMG Guidelines [PMID:25741868] with modifications

Literature cited by the submitters: PubMed 27351199.